The following is an entry in ClinVar:

ClinVar aggregate classification (germline): Conflicting classifications of pathogenicity. Review status: criteria provided, conflicting classifications (1 of 4 stars). 2 submissions from 2 submitters: Uncertain significance (1); Likely benign (1). Last evaluated 2025-08-25.

Conditions:
Inborn genetic diseases. Identifiers: MedGen C0950123, MeSH D030342.
Idiopathic generalized epilepsy. Also called: EIG; Generalised epilepsy. Identifiers: MedGen C0270850, MONDO:0005579, OMIM 600669.

Allele frequency attached by ClinVar (database versions not stated): gnomAD exomes below 0.00001.
gnomAD v4.1: 2 of 1,612,612 alleles (0.00012%); highest among the groups gnomAD compares: Non-Finnish European, 0.000085%; no homozygotes.

Submissions (2):

Ambry Genetics
Classification: Likely benign for Inborn genetic diseases. Last evaluated: 2025-08-25. Review status: criteria provided, single submitter. Criteria: Ambry Variant Classification Scheme 2023. Collection method: clinical testing. Allele origin: germline.

Labcorp Genetics (formerly Invitae), Labcorp
Classification: Uncertain significance for Idiopathic generalized epilepsy. Last evaluated: 2022-07-21. Review status: criteria provided, single submitter. Criteria: Invitae Variant Classification Sherloc (09022015). Collection method: clinical testing. Allele origin: germline.
Comment: This sequence change replaces arginine, which is basic and polar, with lysine, which is basic and polar, at codon 357 of the GABRD protein (p.Arg357Lys). This variant is present in population databases (no rsID available, gnomAD 0.03%). This variant has not been reported in the literature in individuals affected with GABRD-related conditions. Algorithms developed to predict the effect of missense changes on protein structure and function output the following: SIFT: "Tolerated"; PolyPhen-2: "Benign"; Align-GVGD: "Class C0". The lysine amino acid residue is found in multiple mammalian species, which suggests that this missense change does not adversely affect protein function. In summary, the available evidence is currently insufficient to determine the role of this variant in disease. Therefore, it has been classified as a Variant of Uncertain Significance.

NM_000815.5(GABRD):c.1070G>A (p.Arg357Lys)

Gene: GABRD (gamma-aminobutyric acid type A receptor subunit delta; plus strand). Cytogenetic location: 1p36.33.
Variant type: single nucleotide variant.
Coding change: c.1070G>A on transcript NM_000815.5 (MANE Select); coding-DNA position 1070, G replaced by A.
Protein change: p.Arg357Lys; replaces arginine 357 with lysine.
Molecular consequence: missense variant.
Genome position (GRCh38, 1-based): chr1:2,029,993, G>A. VCF-style: chr1-2029993-G-A. GRCh37 (hg19) VCF-style: chr1-1961432-G-A.
Other names: c.1070G>A (NM_000815.4); short protein forms R357K.
Identifiers: ClinVar variation 1955477 (VCV001955477.6), dbSNP rs1448706470, ClinGen allele CA337960389.